The following is an entry in ClinVar:

ClinVar aggregate classification (germline): Pathogenic. Review status: criteria provided, multiple submitters, no conflicts (2 of 4 stars). 3 submissions from 3 submitters: Pathogenic (3). Last evaluated 2024-07-17.

Conditions:
Familial cancer of breast. Also called: BREAST CANCER, FAMILIAL; Hereditary breast cancer; hereditary breast carcinoma. Identifiers: Orphanet 227535, MedGen C0346153, MONDO:0016419, OMIM 114480. Disease mechanism: loss of function.
Hereditary cancer-predisposing syndrome. Also called: Neoplastic Syndromes, Hereditary; Tumor predisposition; Hereditary neoplastic syndrome; Hereditary Cancer Syndrome. Identifiers: Orphanet 140162, MedGen C0027672, MeSH D009386, MONDO:0015356.

Submissions (3):

Myriad Genetics, Inc.
Classification: Pathogenic for Familial cancer of breast. Last evaluated: 2024-07-17. Review status: criteria provided, single submitter. Criteria: Myriad Autosomal Dominant, Autosomal Recessive and X-Linked Classification Criteria (2023). Collection method: clinical testing. Allele origin: unknown.
Comment: This variant is considered pathogenic. This variant creates a termination codon and is predicted to result in premature protein truncation.

Labcorp Genetics (formerly Invitae), Labcorp
Classification: Pathogenic for Familial cancer of breast. Last evaluated: 2024-07-03. Review status: criteria provided, single submitter. Criteria: Invitae Variant Classification Sherloc (09022015). Collection method: clinical testing. Allele origin: germline.
Comment: This sequence change creates a premature translational stop signal (p.Lys245*) in the CHEK2 gene. It is expected to result in an absent or disrupted protein product. Loss-of-function variants in CHEK2 are known to be pathogenic (PMID: 21876083, 24713400). This variant is not present in population databases (gnomAD no frequency). This variant has not been reported in the literature in individuals affected with CHEK2-related conditions. ClinVar contains an entry for this variant (Variation ID: 826973). Algorithms developed to predict the effect of sequence changes on RNA splicing suggest that this variant may disrupt the consensus splice site. For these reasons, this variant has been classified as Pathogenic.

Ambry Genetics
Classification: Pathogenic for Hereditary cancer-predisposing syndrome. Last evaluated: 2018-03-16. Review status: criteria provided, single submitter. Criteria: Ambry Variant Classification Scheme 2023. Collection method: clinical testing. Allele origin: germline.
Comment: The p.K245* pathogenic mutation (also known as c.733A>T), located in coding exon 5 of the CHEK2 gene, results from an A to T substitution at nucleotide position 733. This changes the amino acid from a lysine to a stop codon within coding exon 5. This alteration is expected to result in loss of function by premature protein truncation or nonsense-mediated mRNA decay. As such, this alteration is interpreted as a disease-causing mutation.

Literature cited by the submitters: PubMed 21876083 (cited by Labcorp Genetics (formerly Invitae), Labcorp); PubMed 24713400 (cited by Labcorp Genetics (formerly Invitae), Labcorp).

NM_007194.4(CHEK2):c.733A>T (p.Lys245Ter)

Gene: CHEK2 (checkpoint kinase 2; minus strand). Cytogenetic location: 22q12.1.
Variant type: single nucleotide variant.
Coding change: c.733A>T on transcript NM_007194.4 (MANE Select); coding-DNA position 733, A replaced by T.
Protein change: p.Lys245Ter; replaces lysine 245 with a stop codon.
Molecular consequence: nonsense.
Genome position (GRCh38, 1-based): chr22:28,711,968, T>A on the plus strand (A>T on the coding strand, the complement: CHEK2 is on the minus strand). VCF-style: chr22-28711968-T-A. GRCh37 (hg19) VCF-style: chr22-29107956-T-A.
Other names: c.862A>T, p.Lys288Ter (NM_001005735.3); c.70A>T, p.Lys24Ter (NM_001257387.3); c.532A>T, p.Lys178Ter (NM_001349956.3); c.733A>T, p.Lys245Ter (NM_145862.3); short protein forms K245*, K288*, K178*, K24*.
Identifiers: ClinVar variation 826973 (VCV000826973.14), dbSNP rs1601783375, ClinGen allele CA411103291.